The following is an entry in ClinVar:

NM_000038.6(APC):c.8269G>A (p.Val2757Met)

Gene: APC (APC regulator of Wnt signaling pathway; plus strand). Cytogenetic location: 5q22.2.
Variant type: single nucleotide variant.
Coding change: c.8269G>A on transcript NM_000038.6 (MANE Select); coding-DNA position 8269, G replaced by A.
Protein change: p.Val2757Met; replaces valine 2757 with methionine.
Molecular consequence: missense variant.
Genome position (GRCh38, 1-based): chr5:112,843,863, G>A. VCF-style: chr5-112843863-G-A. GRCh37 (hg19) VCF-style: chr5-112179560-G-A.
Other names: c.8269G>A, p.Val2757Met (NM_001127510.3, NM_001354895.2); c.8215G>A, p.Val2739Met (NM_001127511.3); c.8323G>A, p.Val2775Met (NM_001354896.2); c.8299G>A, p.Val2767Met (NM_001354897.2); c.8194G>A, p.Val2732Met (NM_001354898.2); c.8185G>A, p.Val2729Met (NM_001354899.2); c.8146G>A, p.Val2716Met (NM_001354900.2); c.8092G>A, p.Val2698Met (NM_001354901.2); and 5 more; short protein forms V2597M, V2631M, V2757M, V2698M, V2729M, V2732M, V2474M, V2767M.
Identifiers: ClinVar variation 846311 (VCV000846311.11), dbSNP rs1766699228, ClinGen allele CA16039275.

ClinVar aggregate classification (germline): Uncertain significance (1 of 4 stars; one submission).

Conditions:
Familial adenomatous polyposis 1 (FAP1). Also called: FAMILIAL ADENOMATOUS POLYPOSIS 1, ATTENUATED; POLYPOSIS, ADENOMATOUS INTESTINAL. Identifiers: MedGen C2713442, MONDO:0021056, OMIM 175100. Disease mechanism: loss of function.

Submission:

Labcorp Genetics (formerly Invitae), Labcorp
Classification: Uncertain significance for Familial adenomatous polyposis 1. Last evaluated: 2019-04-04. Review status: criteria provided, single submitter. Criteria: Invitae Variant Classification Sherloc (09022015). Collection method: clinical testing. Allele origin: germline.
Comment: In summary, the available evidence is currently insufficient to determine the role of this variant in disease. Therefore, it has been classified as a Variant of Uncertain Significance. Algorithms developed to predict the effect of missense changes on protein structure and function are either unavailable or do not agree on the potential impact of this missense change (SIFT: "Deleterious"; PolyPhen-2: "Benign"; Align-GVGD: "Class C0"). This variant has not been reported in the literature in individuals with APC-related conditions. This variant is not present in population databases (ExAC no frequency). This sequence change replaces valine with methionine at codon 2757 of the APC protein (p.Val2757Met). The valine residue is weakly conserved and there is a small physicochemical difference between valine and methionine.